The following is an entry in ClinVar:

NM_170662.5(CBLB):c.2480C>T (p.Pro827Leu)

Gene: CBLB (Cbl proto-oncogene B; minus strand). Cytogenetic location: 3q13.11.
Variant type: single nucleotide variant.
Coding change: c.2480C>T on transcript NM_170662.5 (MANE Select); coding-DNA position 2480, C replaced by T.
Protein change: p.Pro827Leu; replaces proline 827 with leucine.
Molecular consequence: missense variant. On other transcripts: non-coding transcript variant (7).
Genome position (GRCh38, 1-based): chr3:105,678,520, G>A on the plus strand (C>T on the coding strand, the complement: CBLB is on the minus strand). VCF-style: chr3-105678520-G-A. GRCh37 (hg19) VCF-style: chr3-105397364-G-A.
Other names: c.2564C>T, p.Pro855Leu (NM_001321786.1); c.2480C>T, p.Pro827Leu (NM_001321788.2); c.2417C>T, p.Pro806Leu (NM_001321789.1); c.2414C>T, p.Pro805Leu (NM_001321790.2); c.2348C>T, p.Pro783Leu (NM_001321791.2, NM_001321793.2); c.2333C>T, p.Pro778Leu (NM_001321794.2, NM_001321795.2, NM_001321796.2); c.2201C>T, p.Pro734Leu (NM_001321797.2, NM_001321798.2, NM_001321799.2); c.1700C>T, p.Pro567Leu (NM_001321806.2, NM_001321807.2); and 5 more; short protein forms P384L, P387L, P474L, P518L, P523L, P567L, P734L, P778L.
Identifiers: ClinVar variation 3898707 (VCV003898707.7).

ClinVar aggregate classification (germline): Uncertain significance (1 of 4 stars; one submission).

gnomAD v4.1: 4 of 1,613,804 alleles (0.00025%); highest among the groups gnomAD compares: African/African-American, 0.0053%; no homozygotes.

Submission:

CeGaT Center for Human Genetics Tuebingen
Classification: Uncertain significance. Last evaluated: 2025-04-01. Review status: criteria provided, single submitter. Criteria: CeGaT Center For Human Genetics Tuebingen Variant Classification Criteria Version 2. Collection method: clinical testing. Allele origin: germline. Affected: yes. Observed: 1 variant allele.
Comment: CBLB: PM2